The following is an entry in ClinVar:

NM_003742.4(ABCB11):c.583G>A (p.Val195Met)

Gene: ABCB11 (ATP binding cassette subfamily B member 11; minus strand). Cytogenetic location: 2q31.1.
Variant type: single nucleotide variant.
Coding change: c.583G>A on transcript NM_003742.4 (MANE Select); coding-DNA position 583, G replaced by A.
Protein change: p.Val195Met; replaces valine 195 with methionine.
Molecular consequence: missense variant.
Genome position (GRCh38, 1-based): chr2:168,995,377, C>T on the plus strand (G>A on the coding strand, the complement: ABCB11 is on the minus strand). VCF-style: chr2-168995377-C-T. GRCh37 (hg19) VCF-style: chr2-169851887-C-T.
Other names: short protein forms V195M.
Identifiers: ClinVar variation 4846197 (VCV004846197.1).

ClinVar aggregate classification (germline): Uncertain significance (1 of 4 stars; one submission).

Conditions:
Familial intrahepatic cholestasis. Identifiers: Orphanet 284385, MedGen CN296401, MONDO:0017290.

gnomAD v4.1: 9 of 1,612,270 alleles (0.00056%); highest among the groups gnomAD compares: South Asian, 0.0088%; no homozygotes.

Submission:

Genomenon, Inc
Classification: Uncertain significance for Familial intrahepatic cholestasis. Last evaluated: 2026-04-14. Review status: criteria provided, single submitter. Criteria: Genomenon Sequence Variant Interpretation Standards - Updated. Collection method: curation. Allele origin: germline. Affected: yes.
Comment: ABCB11 p.Val195Met (c.583G>A) is a missense variant that changes the amino acid at residue 195 from Valine to Methionine. This variant has been observed in at least one proband with an ABCB11-related disorder (PMID:37697751). It is absent or not present at a significant frequency in gnomAD. In silico models predict that this variant is possibly or probably damaging. In conclusion, we classify ABCB11 p.Val195Met (c.583G>A) as a variant of uncertain significance.

Literature cited by the submitters: PubMed 37697751.